The following is an entry in ClinVar:

ClinVar aggregate classification (germline): Likely benign. Review status: criteria provided, multiple submitters, no conflicts (2 of 4 stars). 3 submissions from 3 submitters: Likely benign (3). Last evaluated 2026-05-14.

Conditions:
Neurofibromatosis, type 1 (NF1). Also called: Peripheral type neurofibromatosis; Neurofibromatosis, type I; VON RECKLINGHAUSEN DISEASE; NEUROFIBROMATOSIS, TYPE I, SOMATIC. Identifiers: Orphanet 636, MedGen C0027831, MONDO:0018975, OMIM 162200. Disease mechanism: loss of function.

Allele frequency attached by ClinVar (database versions not stated): gnomAD exomes below 0.00001 and 0.00001.
gnomAD v4.1: 4 of 1,612,490 alleles (0.00025%); no homozygotes.

Submissions (3):

Myriad Genetics, Inc.
Classification: Likely benign for Neurofibromatosis, type 1. Last evaluated: 2026-05-14. Review status: criteria provided, single submitter. Criteria: Myriad Autosomal Dominant, Autosomal Recessive and X-Linked Classification Criteria (2023). Collection method: clinical testing. Allele origin: unknown.
Comment: This variant is considered likely benign. This variant is intronic and is not expected to impact mRNA splicing.

Labcorp Genetics (formerly Invitae), Labcorp
Classification: Likely benign for Neurofibromatosis, type 1. Last evaluated: 2025-09-01. Review status: criteria provided, single submitter. Criteria: Invitae Variant Classification Sherloc (09022015). Collection method: clinical testing. Allele origin: germline.

Blueprint Genetics
Classification: Likely benign. Last evaluated: 2023-09-22. Review status: criteria provided, single submitter. Criteria: ACMG Guidelines, 2015. Collection method: clinical testing. Allele origin: germline.

NM_001042492.3(NF1):c.8114-11A>G

Gene: NF1 (neurofibromin 1; plus strand). Cytogenetic location: 17q11.2.
Variant type: single nucleotide variant.
Coding change: c.8114-11A>G on transcript NM_001042492.3 (MANE Select); 11 bases into the intron before coding-DNA position 8114, A replaced by G.
Molecular consequence: intron variant.
Genome position (GRCh38, 1-based): chr17:31,358,958, A>G. VCF-style: chr17-31358958-A-G. GRCh37 (hg19) VCF-style: chr17-29685976-A-G.
Other names: c.8051-11A>G (NM_000267.4).
Identifiers: ClinVar variation 1384466 (VCV001384466.8), dbSNP rs1316433767, ClinGen allele CA625694234.